The following is an entry in ClinVar:

ClinVar aggregate classification (germline): Uncertain significance (1 of 4 stars; one submission).

Allele frequency attached by ClinVar (database versions not stated): TOPMed below 0.00001; gnomAD 0.00001; gnomAD exomes 0.00002; ExAC 0.00003.
gnomAD v4.1: 15 of 1,613,828 alleles (0.00093%); highest among the groups gnomAD compares: Admixed American, 0.0083%; no homozygotes.

Submission:

Labcorp Genetics (formerly Invitae), Labcorp
Classification: Uncertain significance. Last evaluated: 2021-11-17. Review status: criteria provided, single submitter. Criteria: Invitae Variant Classification Sherloc (09022015). Collection method: clinical testing. Allele origin: germline.
Comment: In summary, the available evidence is currently insufficient to determine the role of this variant in disease. Therefore, it has been classified as a Variant of Uncertain Significance. Algorithms developed to predict the effect of missense changes on protein structure and function (SIFT, PolyPhen-2, Align-GVGD) all suggest that this variant is likely to be tolerated. This variant has not been reported in the literature in individuals affected with FAT1-related conditions. This variant is present in population databases (rs768613095, gnomAD 0.01%). This sequence change replaces serine, which is neutral and polar, with leucine, which is neutral and non-polar, at codon 4002 of the FAT1 protein (p.Ser4002Leu).

NM_005245.4(FAT1):c.12005C>T (p.Ser4002Leu)

Gene: FAT1 (FAT atypical cadherin 1; minus strand). Cytogenetic location: 4q35.2.
Variant type: single nucleotide variant.
Coding change: c.12005C>T on transcript NM_005245.4 (MANE Select); coding-DNA position 12005, C replaced by T.
Protein change: p.Ser4002Leu; replaces serine 4002 with leucine.
Molecular consequence: missense variant.
Genome position (GRCh38, 1-based): chr4:186,599,996, G>A on the plus strand (C>T on the coding strand, the complement: FAT1 is on the minus strand). VCF-style: chr4-186599996-G-A. GRCh37 (hg19) VCF-style: chr4-187521150-G-A.
Other names: short protein forms S4002L.
Identifiers: ClinVar variation 1468228 (VCV001468228.6), dbSNP rs768613095, ClinGen allele CA3164976.